The following is an entry in ClinVar:

NM_002890.3(RASA1):c.38C>G (p.Pro13Arg)

Gene: RASA1 (RAS p21 protein activator 1; plus strand). Cytogenetic location: 5q14.3.
Variant type: single nucleotide variant.
Coding change: c.38C>G on transcript NM_002890.3 (MANE Select); coding-DNA position 38, C replaced by G.
Protein change: p.Pro13Arg; replaces proline 13 with arginine.
Molecular consequence: missense variant.
Genome position (GRCh38, 1-based): chr5:87,268,489, C>G. VCF-style: chr5-87268489-C-G. GRCh37 (hg19) VCF-style: chr5-86564306-C-G.
Other names: short protein forms P13R.
Identifiers: ClinVar variation 2907518 (VCV002907518.4), dbSNP rs761910879, ClinGen allele CA3335310.

ClinVar aggregate classification (germline): Conflicting classifications of pathogenicity. Review status: criteria provided, conflicting classifications (1 of 4 stars). 2 submissions from 2 submitters: Uncertain significance (1); Likely benign (1). Last evaluated 2026-01-11.

Conditions:
Capillary malformation-arteriovenous malformation syndrome. Also called: Capillary malformation-arteriovenous malformation. Identifiers: Orphanet 137667, MedGen C1842180, MONDO:0012016.
Cardiovascular phenotype. Identifiers: MedGen CN230736.

Allele frequency attached by ClinVar (database versions not stated): ExAC 0.00006.
gnomAD v4.1: 14 of 1,555,652 alleles (0.0009%); highest among the groups gnomAD compares: East Asian, 0.0095%; no homozygotes.

Submissions (2):

Labcorp Genetics (formerly Invitae), Labcorp
Classification: Uncertain significance for Capillary malformation-arteriovenous malformation syndrome. Last evaluated: 2026-01-11. Review status: criteria provided, single submitter. Criteria: Invitae Variant Classification Sherloc (09022015). Collection method: clinical testing. Allele origin: germline.
Comment: This sequence change replaces proline, which is neutral and non-polar, with arginine, which is basic and polar, at codon 13 of the RASA1 protein (p.Pro13Arg). This variant is present in population databases (rs761910879, gnomAD 0.009%). This variant has not been reported in the literature in individuals affected with RASA1-related conditions. ClinVar contains an entry for this variant (Variation ID: 2907518). An algorithm developed to predict the effect of missense changes on protein structure and function (PolyPhen-2) suggests that this variant is likely to be disruptive. In summary, the available evidence is currently insufficient to determine the role of this variant in disease. Therefore, it has been classified as a Variant of Uncertain Significance.

Ambry Genetics
Classification: Likely benign for Cardiovascular phenotype. Last evaluated: 2025-12-21. Review status: criteria provided, single submitter. Criteria: Ambry Variant Classification Scheme 2023. Collection method: clinical testing. Allele origin: germline.